The following is an entry in ClinVar:

ClinVar aggregate classification (germline): Uncertain significance (1 of 4 stars; one submission).

Conditions:
Mitochondrial hypertrophic cardiomyopathy with lactic acidosis due to MTO1 deficiency. Also called: CARDIOMYOPATHY, INFANTILE HYPERTROPHIC MITOCHONDRIAL, AND LACTIC ACIDOSIS; Combined oxidative phosphorylation deficiency 10. Identifiers: Orphanet 314637, MedGen C4749921, MONDO:0013865, OMIM 614702.

Allele frequency attached by ClinVar (database versions not stated): TOPMed below 0.00001.
gnomAD v4.1: 2 of 1,614,032 alleles (0.00012%); highest among the groups gnomAD compares: East Asian, 0.0022%; no homozygotes.

Submission:

Labcorp Genetics (formerly Invitae), Labcorp
Classification: Uncertain significance for Mitochondrial hypertrophic cardiomyopathy with lactic acidosis due to MTO1 deficiency. Last evaluated: 2021-08-16. Review status: criteria provided, single submitter. Criteria: Invitae Variant Classification Sherloc (09022015). Collection method: clinical testing. Allele origin: germline.
Comment: This sequence change replaces alanine with threonine at codon 56 of the MTO1 protein (p.Ala56Thr). The alanine residue is moderately conserved and there is a small physicochemical difference between alanine and threonine. This variant is not present in population databases (ExAC no frequency). This variant has not been reported in the literature in individuals affected with MTO1-related conditions. Algorithms developed to predict the effect of missense changes on protein structure and function are either unavailable or do not agree on the potential impact of this missense change (SIFT: "Deleterious"; PolyPhen-2: "Probably Damaging"; Align-GVGD: "Class C0"). In summary, the available evidence is currently insufficient to determine the role of this variant in disease. Therefore, it has been classified as a Variant of Uncertain Significance.

NM_012123.4(MTO1):c.166G>A (p.Ala56Thr)

Gene: MTO1 (mitochondrial tRNA translation optimization 1; plus strand). Cytogenetic location: 6q13.
Variant type: single nucleotide variant.
Coding change: c.166G>A on transcript NM_012123.4 (MANE Select); coding-DNA position 166, G replaced by A.
Protein change: p.Ala56Thr; replaces alanine 56 with threonine.
Molecular consequence: missense variant.
Genome position (GRCh38, 1-based): chr6:73,462,020, G>A. VCF-style: chr6-73462020-G-A. GRCh37 (hg19) VCF-style: chr6-74171743-G-A.
Other names: c.166G>A, p.Ala56Thr (NM_001123226.2, NM_133645.3); short protein forms A56T.
Identifiers: ClinVar variation 1373549 (VCV001373549.6), dbSNP rs1770833571, ClinGen allele CA364712029.